The following is an entry in ClinVar:

ClinVar aggregate classification (germline): Uncertain significance. Review status: criteria provided, multiple submitters, no conflicts (2 of 4 stars). 2 submissions from 2 submitters: Uncertain significance (2). Last evaluated 2026-02-03.

Conditions:
Ehlers-Danlos syndrome, musculocontractural type 2 (EDSMC2). Identifiers: Orphanet 2953, MedGen C3809845, MONDO:0014236, OMIM 615539.

Allele frequency attached by ClinVar (database versions not stated): gnomAD 0.00001; gnomAD exomes 0.00001; TOPMed 0.00001.
gnomAD v4.1: 12 of 1,614,034 alleles (0.00074%); highest among the groups gnomAD compares: Non-Finnish European, 0.001%; no homozygotes.

Submissions (2):

GeneDx
Classification: Uncertain significance. Last evaluated: 2026-02-03. Review status: criteria provided, single submitter. Criteria: GeneDx Variant Classification Process June 2021. Collection method: clinical testing. Allele origin: germline.
Comment: Not observed at significant frequency in large population cohorts (gnomAD); In silico analysis suggests that this missense variant does not alter protein structure/function; Has not been previously published as pathogenic or benign to our knowledge

Labcorp Genetics (formerly Invitae), Labcorp
Classification: Uncertain significance for Ehlers-Danlos syndrome, musculocontractural type 2. Last evaluated: 2021-12-29. Review status: criteria provided, single submitter. Criteria: Invitae Variant Classification Sherloc (09022015). Collection method: clinical testing. Allele origin: germline.
Comment: This variant has not been reported in the literature in individuals affected with DSE-related conditions. This variant is not present in population databases (gnomAD no frequency). In summary, the available evidence is currently insufficient to determine the role of this variant in disease. Therefore, it has been classified as a Variant of Uncertain Significance. Algorithms developed to predict the effect of missense changes on protein structure and function are either unavailable or do not agree on the potential impact of this missense change (SIFT: "Not Available"; PolyPhen-2: "Benign"; Align-GVGD: "Not Available"). This sequence change replaces alanine, which is neutral and non-polar, with glycine, which is neutral and non-polar, at codon 898 of the DSE protein (p.Ala898Gly).

NM_013352.4(DSE):c.2693C>G (p.Ala898Gly)

Gene: DSE (dermatan sulfate epimerase; plus strand). Cytogenetic location: 6q22.1.
Variant type: single nucleotide variant.
Coding change: c.2693C>G on transcript NM_013352.4 (MANE Select); coding-DNA position 2693, C replaced by G.
Protein change: p.Ala898Gly; replaces alanine 898 with glycine.
Molecular consequence: missense variant. On other transcripts: 3 prime UTR variant (2), non-coding transcript variant (1).
Genome position (GRCh38, 1-based): chr6:116,437,161, C>G. VCF-style: chr6-116437161-C-G. GRCh37 (hg19) VCF-style: chr6-116758324-C-G.
Other names: c.2693C>G (NM_013352.2); c.2693C>G, p.Ala898Gly (NM_001080976.3, NM_001322937.2, NM_001322938.2); c.2750C>G, p.Ala917Gly (NM_001322939.2); c.2132C>G, p.Ala711Gly (NM_001322940.2, NM_001322941.2); c.*1558C>G (NM_001322943.2, NM_001322944.2); c.1694C>G, p.Ala565Gly (NM_001374520.1); c.1658C>G, p.Ala553Gly (NM_001374521.1); short protein forms A917G, A553G, A565G, A711G, A898G.
Identifiers: ClinVar variation 2059133 (VCV002059133.5), dbSNP rs1297941039, ClinGen allele CA365409206.